The following is an entry in ClinVar:

ClinVar aggregate classification (germline): Pathogenic (1 of 4 stars; one submission).

Conditions:
Familial adenomatous polyposis 1 (FAP1). Also called: FAMILIAL ADENOMATOUS POLYPOSIS 1, ATTENUATED; POLYPOSIS, ADENOMATOUS INTESTINAL. Identifiers: MedGen C2713442, MONDO:0021056, OMIM 175100. Disease mechanism: loss of function.

Submission:

Myriad Genetics, Inc.
Classification: Pathogenic for Familial adenomatous polyposis 1. Last evaluated: 2023-05-09. Review status: criteria provided, single submitter. Criteria: Myriad Autosomal Dominant, Autosomal Recessive and X-Linked Classification Criteria (2023). Collection method: clinical testing. Allele origin: unknown.
Comment: This variant is considered pathogenic. This variant creates a frameshift predicted to result in premature protein truncation.

NM_000038.6(APC):c.3573_3574del (p.Lys1192fs)

Gene: APC (APC regulator of Wnt signaling pathway; plus strand). Cytogenetic location: 5q22.2.
Variant type: Deletion.
Coding change: c.3573_3574del on transcript NM_000038.6 (MANE Select); coding-DNA positions 3573 to 3574, 2 bases deleted (GA; older notation c.3573_3574delGA).
Protein change: p.Lys1192fs; shifts the reading frame from lysine 1192.
Molecular consequence: frameshift variant. On other transcripts: non-coding transcript variant (2).
Genome position (GRCh38, 1-based): chr5:112,839,167-112,839,168, GA deleted; deleting any 2 consecutive bases within chr5:112,839,166-112,839,168 gives the same sequence; the c. name uses the placement nearest the transcript's 3' end. VCF-style (leftmost placement, unchanged base first): chr5-112839165-CAG-C. GRCh37 (hg19) VCF-style: chr5-112174862-CAG-C.
Other names: c.3573_3574del, p.Lys1192fs (NM_001127510.3, NM_001354895.2, NM_001407450.1); c.3519_3520del, p.Lys1174fs (NM_001127511.3); c.3627_3628del, p.Lys1210fs (NM_001354896.2, NM_001407447.1, NM_001407448.1 and 1 more transcripts); c.3603_3604del, p.Lys1202fs (NM_001354897.2); c.3498_3499del, p.Lys1167fs (NM_001354898.2); c.3489_3490del, p.Lys1164fs (NM_001354899.2); c.3450_3451del, p.Lys1151fs (NM_001354900.2); c.3396_3397del, p.Lys1133fs (NM_001354901.2, NM_001407453.1); and 11 more; short protein forms K1032fs, K1063fs, K1066fs, K1091fs, K1101fs, K1109fs, K1133fs, K1151fs.
Identifiers: ClinVar variation 2584010 (VCV002584010.1), dbSNP rs2533508589, ClinGen allele CA645543579.
Genomic context (GRCh38, chr5:112,839,165, plus strand): 5'-CGTCATGTGGATCAGCCTATTGATTATAGTTTAAAATATGCCACAGATATTCCTTCATCA[CAG>C]AAACAGTCATTTTCATTCTCAAAGAGTTCATCTGGACAAAGCAGTAAAACCGAACATATG-3'